The following is an entry in ClinVar:

NM_019892.6(INPP5E):c.1408G>A (p.Asp470Asn)

Gene: INPP5E (inositol polyphosphate-5-phosphatase E; minus strand). Cytogenetic location: 9q34.3.
Variant type: single nucleotide variant.
Coding change: c.1408G>A on transcript NM_019892.6 (MANE Select); coding-DNA position 1408, G replaced by A.
Protein change: p.Asp470Asn; replaces aspartic acid 470 with asparagine.
Molecular consequence: missense variant.
Genome position (GRCh38, 1-based): chr9:136,431,965, C>T on the plus strand (G>A on the coding strand, the complement: INPP5E is on the minus strand). VCF-style: chr9-136431965-C-T. GRCh37 (hg19) VCF-style: chr9-139326417-C-T.
Other names: c.1405G>A, p.Asp469Asn (NM_001318502.2); short protein forms D469N, D470N.
Identifiers: ClinVar variation 1878525 (VCV001878525.1), dbSNP rs1835717140, ClinGen allele CA375562691.

ClinVar aggregate classification (germline): Uncertain significance (1 of 4 stars; one submission).

Conditions:
Joubert syndrome 1 (JBTS1). Also called: Cerebellooculorenal syndrome 1; CEREBELLOPARENCHYMAL DISORDER IV. Identifiers: MedGen C4551568, MONDO:0008944, OMIM 213300.

Allele frequency attached by ClinVar (database versions not stated): gnomAD exomes below 0.00001; TOPMed below 0.00001; gnomAD 0.00001.
gnomAD v4.1: 7 of 1,612,372 alleles (0.00043%); highest among the groups gnomAD compares: South Asian, 0.0044%; no homozygotes.

Submission:

Neuberg Centre For Genomic Medicine, NCGM
Classification: Uncertain significance for Joubert syndrome 1. Review status: criteria provided, single submitter. Criteria: ACMG Guidelines, 2015. Collection method: clinical testing. Allele origin: germline. Affected: yes.
Comment: The missense variant p.D470N in INPP5E (NM_019892.6) has not been reported previously as a pathogenic variant nor as a benign variant, to our knowledge. The p.D470N variant is novel (not in any individuals) in gnomAD Exomes and is novel (not in any individuals) in 1000 Genomes. The p.D470N missense variant is predicted to be damaging by both SIFT and PolyPhen2. The aspartic acid residue at codon 470 of INPP5E is conserved in all mammalian species. The nucleotide c.1408 in INPP5E is predicted conserved by GERP++ and PhyloP across 100 vertebrates. For these reasons, this variant has been classified as Uncertain Significance.